The following is an entry in ClinVar:

NM_017636.4(TRPM4):c.81C>T (p.Ser27=)

Gene: TRPM4 (transient receptor potential cation channel subfamily M member 4; plus strand). Cytogenetic location: 19q13.33.
Variant type: single nucleotide variant.
Coding change: c.81C>T on transcript NM_017636.4 (MANE Select); coding-DNA position 81, C replaced by T.
Protein change: p.Ser27=; no amino-acid change (serine 27 retained).
Molecular consequence: synonymous variant. On other transcripts: 5 prime UTR variant (3).
Genome position (GRCh38, 1-based): chr19:49,158,248, C>T. VCF-style: chr19-49158248-C-T. GRCh37 (hg19) VCF-style: chr19-49661505-C-T.
Other names: c.81C>T, p.Ser27= (NM_001195227.2, NM_001321281.2); c.-1292C>T (NM_001321282.2); c.-86C>T (NM_001321283.2); c.-249C>T (NM_001321285.2).
Identifiers: ClinVar variation 1577345 (VCV001577345.12), dbSNP rs372942488, ClinGen allele CA9568656.

ClinVar aggregate classification (germline): Likely benign. Review status: criteria provided, multiple submitters, no conflicts (2 of 4 stars). 4 submissions from 4 submitters: Likely benign (4). Last evaluated 2026-05-04.

Conditions:
Cardiovascular phenotype. Identifiers: MedGen CN230736.
Progressive familial heart block type IB (PFHB1B). Identifiers: Orphanet 871, MedGen C1970298, MONDO:0011474, OMIM 604559.

Allele frequency attached by ClinVar (database versions not stated): gnomAD exomes below 0.00001 and 0.00001; gnomAD 0.00009 and 0.00008; ExAC 0.00002; ESP Exome Variant Server 0.00015; TOPMed 0.00008.
gnomAD v4.1: 17 of 1,613,776 alleles (0.0011%); highest among the groups gnomAD compares: African/African-American, 0.021%; no homozygotes.

Submissions (4):

Women's Health and Genetics/Laboratory Corporation of America, LabCorp
Classification: Likely benign. Last evaluated: 2026-05-04. Review status: criteria provided, single submitter. Criteria: LabCorp Variant Classification Summary - May 2015. Collection method: clinical testing. Allele origin: germline.

Molecular Diagnostic Laboratory for Inherited Cardiovascular Disease, Montreal Heart Institute
Classification: Likely benign. Last evaluated: 2026-03-27. Review status: criteria provided, single submitter. Criteria: ACMG Guidelines, 2015. Collection method: clinical testing. Allele origin: germline. Affected: no.
Comment: BP7

Labcorp Genetics (formerly Invitae), Labcorp
Classification: Likely benign for Progressive familial heart block type IB. Last evaluated: 2025-07-22. Review status: criteria provided, single submitter. Criteria: Invitae Variant Classification Sherloc (09022015). Collection method: clinical testing. Allele origin: germline.

Ambry Genetics
Classification: Likely benign for Cardiovascular phenotype. Last evaluated: 2020-03-13. Review status: criteria provided, single submitter. Criteria: Ambry Variant Classification Scheme 2023. Collection method: clinical testing. Allele origin: germline.